The following is an entry in ClinVar:

NM_182961.4(SYNE1):c.18885G>A (p.Met6295Ile)

Gene: SYNE1 (spectrin repeat containing nuclear envelope protein 1; minus strand). Cytogenetic location: 6q25.2.
Variant type: single nucleotide variant.
Coding change: c.18885G>A on transcript NM_182961.4 (MANE Select); coding-DNA position 18885, G replaced by A.
Protein change: p.Met6295Ile; replaces methionine 6295 with isoleucine.
Molecular consequence: missense variant.
Genome position (GRCh38, 1-based): chr6:152,262,119, C>T on the plus strand (G>A on the coding strand, the complement: SYNE1 is on the minus strand). VCF-style: chr6-152262119-C-T. GRCh37 (hg19) VCF-style: chr6-152583254-C-T.
Other names: c.18672G>A, p.Met6224Ile (NM_033071.5); short protein forms M6224I, M6295I.
Identifiers: ClinVar variation 2122835 (VCV002122835.4), dbSNP rs2551882384, ClinGen allele CA366090138.

ClinVar aggregate classification (germline): Uncertain significance (1 of 4 stars; one submission).

Conditions:
Emery-Dreifuss muscular dystrophy 4, autosomal dominant (EDMD4). Also called: EMERY-DREIFUSS MUSCULAR DYSTROPHY 4 WITH VARIABLE FEATURES. Identifiers: Orphanet 261, MedGen C2751807, MONDO:0013071, OMIM 612998.
Autosomal recessive ataxia, Beauce type. Also called: SYNE1 Deficiency; Spinocerebellar ataxia, autosomal recessive 8; ATAXIA, RECESSIVE, OF BEAUCE; SYNE1-Related Autosomal Recessive Cerebellar Ataxia. Identifiers: Orphanet 88644, MedGen C1853116, MONDO:0012549, OMIM 610743.

gnomAD v4.1: 1 of 1,613,918 alleles (0.000062%); highest among the groups gnomAD compares: Non-Finnish European, 0.000085%; no homozygotes.

Submission:

Labcorp Genetics (formerly Invitae), Labcorp
Classification: Uncertain significance for Emery-Dreifuss muscular dystrophy 4, autosomal dominant; Autosomal recessive ataxia, Beauce type. Last evaluated: 2024-02-17. Review status: criteria provided, single submitter. Criteria: Invitae Variant Classification Sherloc (09022015). Collection method: clinical testing. Allele origin: germline.
Comment: This sequence change replaces methionine, which is neutral and non-polar, with isoleucine, which is neutral and non-polar, at codon 6224 of the SYNE1 protein (p.Met6224Ile). This variant is not present in population databases (gnomAD no frequency). This variant has not been reported in the literature in individuals affected with SYNE1-related conditions. ClinVar contains an entry for this variant (Variation ID: 2122835). An algorithm developed to predict the effect of missense changes on protein structure and function (PolyPhen-2) suggests that this variant is likely to be tolerated. In summary, the available evidence is currently insufficient to determine the role of this variant in disease. Therefore, it has been classified as a Variant of Uncertain Significance.